The following is an entry in ClinVar:

ClinVar aggregate classification (germline): Uncertain significance (1 of 4 stars; one submission).

Conditions:
TP63-Related Spectrum Disorders.

gnomAD v4.1: 1 of 1,614,134 alleles (0.000062%); no homozygotes.

Submission:

Labcorp Genetics (formerly Invitae), Labcorp
Classification: Uncertain significance. Last evaluated: 2024-11-05. Review status: criteria provided, single submitter. Criteria: Invitae Variant Classification Sherloc (09022015). Collection method: clinical testing. Allele origin: germline.
Comment: This sequence change replaces serine, which is neutral and polar, with proline, which is neutral and non-polar, at codon 458 of the TP63 protein (p.Ser458Pro). This variant is not present in population databases (gnomAD no frequency). This variant has not been reported in the literature in individuals affected with TP63-related conditions. ClinVar contains an entry for this variant (Variation ID: 2763910). Invitae Evidence Modeling of protein sequence and biophysical properties (such as structural, functional, and spatial information, amino acid conservation, physicochemical variation, residue mobility, and thermodynamic stability) indicates that this missense variant is not expected to disrupt TP63 protein function with a negative predictive value of 80%. In summary, the available evidence is currently insufficient to determine the role of this variant in disease. Therefore, it has been classified as a Variant of Uncertain Significance.

NM_003722.5(TP63):c.1372T>C (p.Ser458Pro)

Gene: TP63 (tumor protein p63; plus strand). Cytogenetic location: 3q28.
Variant type: single nucleotide variant.
Coding change: c.1372T>C on transcript NM_003722.5 (MANE Select); coding-DNA position 1372, T replaced by C.
Protein change: p.Ser458Pro; replaces serine 458 with proline.
Molecular consequence: missense variant.
Genome position (GRCh38, 1-based): chr3:189,886,416, T>C. VCF-style: chr3-189886416-T-C. GRCh37 (hg19) VCF-style: chr3-189604205-T-C.
Other names: c.1372T>C, p.Ser458Pro (NM_001114978.2, NM_001329144.2); c.1090T>C, p.Ser364Pro (NM_001114980.2, NM_001114981.2, NM_001329145.2); c.835T>C, p.Ser279Pro (NM_001329146.2); c.1360T>C, p.Ser454Pro (NM_001329148.2); c.1078T>C, p.Ser360Pro (NM_001329149.2); c.823T>C, p.Ser275Pro (NM_001329150.2); c.1366T>C, p.Ser456Pro (NM_001329964.2); short protein forms S279P, S364P, S456P, S275P, S360P, S458P, S454P.
Identifiers: ClinVar variation 2763910 (VCV002763910.2), dbSNP rs1237515956, ClinGen allele CA355757286.